The following is an entry in ClinVar:

NM_000748.3(CHRNB2):c.64+133A>G

Gene: CHRNB2 (cholinergic receptor nicotinic beta 2 subunit; plus strand). Cytogenetic location: 1q21.3.
Variant type: single nucleotide variant.
Coding change: c.64+133A>G on transcript NM_000748.3 (MANE Select); 133 bases into the intron after coding-DNA position 64, A replaced by G.
Molecular consequence: intron variant.
Genome position (GRCh38, 1-based): chr1:154,568,241, A>G. VCF-style: chr1-154568241-A-G. GRCh37 (hg19) VCF-style: chr1-154540717-A-G.
Identifiers: ClinVar variation 679145 (VCV000679145.2), dbSNP rs12062226, ClinGen allele CA10942083.
Genomic context (GRCh38, chr1:154,568,241, plus strand): 5'-CACCCCTGCTAGGCCGGAAGGTGGAAGAAGGGATTCCCTAGAGGTGGGGGAGTCTGCTGG[A>G]GGTTAGGGGAGAGCCCCCCGGGACTGCAGAGAGCACCTGGGAGGCTGGACTGGGAACGAG-3'

ClinVar aggregate classification (germline): Benign. Review status: criteria provided, multiple submitters, no conflicts (2 of 4 stars). 2 submissions from 2 submitters: Benign (2). Last evaluated 2018-06-19.

Allele frequency attached by ClinVar (database versions not stated): gnomAD 0.10135 and 0.10842; 1000 Genomes Project 0.10823; TOPMed 0.11309; 1000 Genomes Project 30x 0.11649.
gnomAD v4.1: 25,675 of 1,101,322 alleles (2.3%); highest among the groups gnomAD compares: African/African-American, 36%; 4,299 homozygotes.

Submissions (2):

GeneDx
Classification: Benign. Last evaluated: 2018-06-19. Review status: criteria provided, single submitter. Criteria: GeneDx Variant Classification (06012015). Collection method: clinical testing. Allele origin: germline. Affected: yes.
Comment: This variant is considered likely benign or benign based on one or more of the following criteria: it is a conservative change, it occurs at a poorly conserved position in the protein, it is predicted to be benign by multiple in silico algorithms, and/or has population frequency not consistent with disease.

Breakthrough Genomics
Classification: Benign. Review status: criteria provided, single submitter. Criteria: ACMG Guidelines, 2015. Collection method: not provided. Allele origin: germline. Inheritance: Unknown mechanism. Affected: yes.